The following is an entry in ClinVar:

ClinVar aggregate classification (germline): Benign. Review status: criteria provided, multiple submitters, no conflicts (2 of 4 stars). 4 submissions from 4 submitters: Benign (4). Last evaluated 2026-01-28.

Conditions:
Junctional epidermolysis bullosa with pyloric atresia. Also called: ITGB4-Related Epidermolysis Bullosa with Pyloric Atresia; ITGA6-Related Epidermolysis Bullosa with Pyloric Atresia; EPIDERMOLYSIS BULLOSA, JUNCTIONAL 5B, WITH PYLORIC ATRESIA; APLASIA CUTIS CONGENITA WITH GASTROINTESTINAL ATRESIA; CARMI SYNDROME; EB-PA-ACC. Identifiers: Orphanet 79403, MedGen C5676875, MONDO:0009183, OMIM 226730.

Allele frequency attached by ClinVar (database versions not stated): gnomAD 0.00328; ESP Exome Variant Server 0.00408; TOPMed 0.00509; 1000 Genomes Project 30x 0.01655; 1000 Genomes Project 0.01717.
gnomAD v4.1: 7,862 of 1,611,538 alleles (0.49%); highest among the groups gnomAD compares: South Asian, 5%; 187 homozygotes.

Submissions (9):

Labcorp Genetics (formerly Invitae), Labcorp
Classification: Benign. Last evaluated: 2026-01-28. Review status: criteria provided, single submitter. Criteria: Invitae Variant Classification Sherloc (09022015). Collection method: clinical testing. Allele origin: germline.

GeneDx
Classification: Benign. Last evaluated: 2021-05-05. Review status: criteria provided, single submitter. Criteria: GeneDx Variant Classification Process June 2021. Collection method: clinical testing. Allele origin: germline. Affected: yes.

Illumina Laboratory Services, Illumina
Classification: Benign for Junctional epidermolysis bullosa with pyloric atresia. Last evaluated: 2018-01-13. Review status: criteria provided, single submitter. Criteria: ICSL Variant Classification Criteria 13 December 2019. Collection method: clinical testing. Allele origin: germline.
Comment: This variant was observed in the ICSL laboratory as part of a predisposition screen in an ostensibly healthy population. It had not been previously curated by ICSL or reported in the Human Gene Mutation Database (HGMD: prior to June 1st, 2018), and was therefore a candidate for classification through an automated scoring system. Utilizing variant allele frequency, disease prevalence and penetrance estimates, and inheritance mode, an automated score was calculated to assess if this variant is too frequent to cause the disease. Based on the score and internal cut-off values, a variant classified as benign is not then subjected to further curation. The score for this variant resulted in a classification of benign for this disease.

Breakthrough Genomics
Classification: Benign. Review status: criteria provided, single submitter. Criteria: ACMG Guidelines, 2015. Collection method: not provided. Allele origin: germline. Inheritance: Autosomal recessive inheritance. Affected: yes.

Dr. Peter K. Rogan Lab, Western University
No classification provided (evidence only). Condition: Thyroid cancer, nonmedullary, 1. Review status: no classification provided. Collection method: in vitro. Allele origin: not applicable. Functional consequence: retained intron. Not counted in ClinVar's aggregate classification.

Dr. Peter K. Rogan Lab, Western University
No classification provided (evidence only). Condition: Thyroid cancer, nonmedullary, 1. Review status: no classification provided. Collection method: in vitro. Allele origin: not applicable. Functional consequence: retained intron. Not counted in ClinVar's aggregate classification.

Dr. Peter K. Rogan Lab, Western University
No classification provided (evidence only). Condition: Nonpapillary renal cell carcinoma. Review status: no classification provided. Collection method: in vitro. Allele origin: not applicable. Functional consequence: retained intron. Not counted in ClinVar's aggregate classification.

Dr. Peter K. Rogan Lab, Western University
No classification provided (evidence only). Condition: Ovarian serous cystadenocarcinoma. Review status: no classification provided. Collection method: in vitro. Allele origin: not applicable. Functional consequence: retained intron. Not counted in ClinVar's aggregate classification.

Dr. Peter K. Rogan Lab, Western University
No classification provided (evidence only). Condition: Uterine carcinosarcoma. Review status: no classification provided. Collection method: in vitro. Allele origin: not applicable. Functional consequence: retained intron. Not counted in ClinVar's aggregate classification.

NM_000210.4(ITGA6):c.2862G>C (p.Ser954=)

Genes: ITGA6 (integrin subunit alpha 6; plus strand), PDK1-AS1 (PDK1 and ITGA6 antisense RNA 1; minus strand). Cytogenetic location: 2q31.1.
Variant type: single nucleotide variant.
Coding change: c.2862G>C on transcript NM_000210.4 (MANE Select); coding-DNA position 2862, G replaced by C.
Protein change: p.Ser954=; no amino-acid change (serine 954 retained).
Molecular consequence: synonymous variant.
Genome position (GRCh38, 1-based): chr2:172,491,304, G>C. VCF-style: chr2-172491304-G-C. GRCh37 (hg19) VCF-style: chr2-173356032-G-C.
Other names: c.2862G>C, p.Ser954= (NM_001079818.3); c.2505G>C, p.Ser835= (NM_001316306.2); c.2817G>C, p.Ser939= (NM_001365529.2, NM_001365530.2).
Identifiers: ClinVar variation 332385 (VCV000332385.18), dbSNP rs61757097, ClinGen allele CA1968519.